The following is an entry in ClinVar:

ClinVar aggregate classification (germline): Uncertain significance (1 of 4 stars; one submission).

Conditions:
Corneal intraepithelial dyskeratosis-palmoplantar hyperkeratosis-laryngeal dyskeratosis syndrome. Also called: Palmoplantar carcinoma, multiple self-healing. Identifiers: Orphanet 352662, MedGen C3808876, MONDO:0014089, OMIM 615225.

Allele frequency attached by ClinVar (database versions not stated): ESP Exome Variant Server 0.00008.
gnomAD v4.1: 14 of 1,614,140 alleles (0.00087%); highest among the groups gnomAD compares: East Asian, 0.0045%; no homozygotes.

Submission:

Labcorp Genetics (formerly Invitae), Labcorp
Classification: Uncertain significance. Last evaluated: 2024-10-10. Review status: criteria provided, single submitter. Criteria: Invitae Variant Classification Sherloc (09022015). Collection method: clinical testing. Allele origin: germline.
Comment: This sequence change replaces glutamic acid, which is acidic and polar, with aspartic acid, which is acidic and polar, at codon 681 of the NLRP1 protein (p.Glu681Asp). This variant is present in population databases (rs146030920, gnomAD 0.006%). This variant has not been reported in the literature in individuals affected with NLRP1-related conditions. ClinVar contains an entry for this variant (Variation ID: 1502179). An algorithm developed to predict the effect of missense changes on protein structure and function (PolyPhen-2) suggests that this variant¬†is likely to be tolerated. In summary, the available evidence is currently insufficient to determine the role of this variant in disease. Therefore, it has been classified as a Variant of Uncertain Significance.

NM_033004.4(NLRP1):c.2043G>T (p.Glu681Asp)

Gene: NLRP1 (NLR family pyrin domain containing 1; minus strand). Cytogenetic location: 17p13.2.
Variant type: single nucleotide variant.
Coding change: c.2043G>T on transcript NM_033004.4 (MANE Select); coding-DNA position 2043, G replaced by T.
Protein change: p.Glu681Asp; replaces glutamic acid 681 with aspartic acid.
Molecular consequence: missense variant.
Genome position (GRCh38, 1-based): chr17:5,558,653, C>A on the plus strand (G>T on the coding strand, the complement: NLRP1 is on the minus strand). VCF-style: chr17-5558653-C-A. GRCh37 (hg19) VCF-style: chr17-5461973-C-A.
Other names: c.2043G>T, p.Glu681Asp (NM_001033053.3, NM_014922.5, NM_033006.4 and 1 more transcripts); c.2043G>T (NM_033004.3); short protein forms E681D.
Identifiers: ClinVar variation 1502179 (VCV001502179.9), dbSNP rs146030920, ClinGen allele CA287267901.